The following is an entry in ClinVar:

ClinVar aggregate classification (germline): Benign/Likely benign. Review status: criteria provided, multiple submitters, no conflicts (2 of 4 stars). 10 submissions from 9 submitters: Benign (5); Likely benign (5). Last evaluated 2026-05-21.

Conditions:
Fibrochondrogenesis 2 (FBCG2). Identifiers: Orphanet 2021, MedGen C3281128, MONDO:0013795, OMIM 614524.
Otospondylomegaepiphyseal dysplasia, autosomal recessive (OSMEDB). Also called: CHONDRODYSTROPHY WITH SENSORINEURAL DEAFNESS; Insley-Astley syndrome. Identifiers: Orphanet 1427, MedGen CN034493, MONDO:0044206, OMIM 215150.

Allele frequency attached by ClinVar (database versions not stated): ExAC 0.00158; 1000 Genomes Project 0.00200; 1000 Genomes Project 30x 0.00219; gnomAD 0.00553; TOPMed 0.00561; ESP Exome Variant Server 0.00711.
gnomAD v4.1: 1,342 of 1,613,062 alleles (0.083%); highest among the groups gnomAD compares: African/African-American, 1.7%; 11 homozygotes.

Submissions (10):

Women's Health and Genetics/Laboratory Corporation of America, LabCorp
Classification: Likely benign. Last evaluated: 2026-05-21. Review status: criteria provided, single submitter. Criteria: LabCorp Variant Classification Summary - May 2015. Collection method: clinical testing. Allele origin: germline.
Comment: Variant summary: COL11A2 c.3615C>A (p.Asn1205Lys) results in a non-conservative amino acid change in the encoded protein sequence. Algorithms developed to predict the effect of missense changes on protein structure and function are either unavailable or do not agree on the potential impact of this missense change. The variant allele was found at a frequency of 0.0011 in 247174 control chromosomes, predominantly at a frequency of 0.017 within the African or African-American subpopulation in the gnomAD database, including 2 homozygotes. The observed variant frequency within African or African-American control individuals in the gnomAD database exceeds the estimated maximal expected allele frequency for disease-causing variants in COL11A2. To our knowledge, no occurrence of c.3615C>A in individuals affected with COL11A2-related conditions and no experimental evidence demonstrating its impact on protein function have been reported. ClinVar contains an entry for this variant (Variation ID: 226536). Based on the evidence outlined above, the variant was classified as likely benign.

Labcorp Genetics (formerly Invitae), Labcorp
Classification: Benign. Last evaluated: 2026-02-02. Review status: criteria provided, single submitter. Criteria: Invitae Variant Classification Sherloc (09022015). Collection method: clinical testing. Allele origin: germline.

ARUP Laboratories, Molecular Genetics and Genomics, ARUP Laboratories
Classification: Likely benign. Last evaluated: 2025-03-31. Review status: criteria provided, single submitter. Criteria: ARUP Molecular Germline Variant Investigation Process 2024. Collection method: clinical testing. Allele origin: germline.

Blueprint Genetics
Classification: Likely benign. Last evaluated: 2024-08-28. Review status: criteria provided, single submitter. Criteria: ACMG Guidelines, 2015. Collection method: clinical testing. Allele origin: germline.

Illumina Laboratory Services, Illumina
Classification: Benign for Fibrochondrogenesis 2. Last evaluated: 2018-01-13. Review status: criteria provided, single submitter. Criteria: ICSL Variant Classification Criteria 13 December 2019. Collection method: clinical testing. Allele origin: germline.
Comment: This variant was observed in the ICSL laboratory as part of a predisposition screen in an ostensibly healthy population. It had not been previously curated by ICSL or reported in the Human Gene Mutation Database (HGMD: prior to June 1st, 2018), and was therefore a candidate for classification through an automated scoring system. Utilizing variant allele frequency, disease prevalence and penetrance estimates, and inheritance mode, an automated score was calculated to assess if this variant is too frequent to cause the disease. Based on the score and internal cut-off values, a variant classified as benign is not then subjected to further curation. The score for this variant resulted in a classification of benign for this disease.

Illumina Laboratory Services, Illumina
Classification: Benign for Otospondylomegaepiphyseal dysplasia, autosomal recessive. Last evaluated: 2018-01-13. Review status: criteria provided, single submitter. Criteria: ICSL Variant Classification Criteria 13 December 2019. Collection method: clinical testing. Allele origin: germline.
Comment: the same text as in the submission from Illumina Laboratory Services, Illumina above.

GeneDx
Classification: Benign. Last evaluated: 2017-10-17. Review status: criteria provided, single submitter. Criteria: GeneDx Variant Classification (06012015). Collection method: clinical testing. Allele origin: germline. Affected: yes.
Comment: This variant is considered likely benign or benign based on one or more of the following criteria: it is a conservative change, it occurs at a poorly conserved position in the protein, it is predicted to be benign by multiple in silico algorithms, and/or has population frequency not consistent with disease.

Laboratory for Molecular Medicine, Mass General Brigham Personalized Medicine
Classification: Benign. Last evaluated: 2012-04-30. Review status: criteria provided, single submitter. Criteria: LMM Criteria. Collection method: clinical testing. Allele origin: germline. Observed: 5 variant alleles.
Comment: Asn1205Lys in Exon 49 of COL11A2: This variant is not expected to have clinical significance because it has been identified in 1.9% (57/3036) of African America n chromosomes from a broad population by the NHLBI Exome Sequencing Project (dbSNP rs141967872).

Breakthrough Genomics
Classification: Likely benign. Review status: criteria provided, single submitter. Criteria: ACMG Guidelines, 2015. Collection method: not provided. Allele origin: germline. Inheritance: Autosomal recessive inheritance. Affected: yes.

PreventionGenetics, part of Exact Sciences
Classification: Likely benign. Review status: criteria provided, single submitter. Criteria: ACMG Guidelines, 2015. Collection method: clinical testing. Allele origin: germline.

NM_080680.3(COL11A2):c.3615C>A (p.Asn1205Lys)

Gene: COL11A2 (collagen type XI alpha 2 chain; minus strand). Cytogenetic location: 6p21.32.
Variant type: single nucleotide variant.
Coding change: c.3615C>A on transcript NM_080680.3 (MANE Select); coding-DNA position 3615, C replaced by A.
Protein change: p.Asn1205Lys; replaces asparagine 1205 with lysine.
Molecular consequence: missense variant.
Genome position (GRCh38, 1-based): chr6:33,170,068, G>T on the plus strand (C>A on the coding strand, the complement: COL11A2 is on the minus strand). VCF-style: chr6-33170068-G-T. GRCh37 (hg19) VCF-style: chr6-33137845-G-T.
Other names: c.3294C>A, p.Asn1098Lys (NM_080679.3); c.3357C>A, p.Asn1119Lys (NM_080681.3); short protein forms N1205K, N1098K, N1119K.
Identifiers: ClinVar variation 226536 (VCV000226536.22), dbSNP rs141967872, ClinGen allele CA3750440.